The following is an entry in ClinVar:

ClinVar aggregate classification (germline): Uncertain significance. Review status: criteria provided, multiple submitters, no conflicts (2 of 4 stars). 2 submissions from 2 submitters: Uncertain significance (2). Last evaluated 2024-06-07.

Conditions:
Vici syndrome (VICIS). Identifiers: Orphanet 1493, MedGen C1855772, MONDO:0009452, OMIM 242840.
Inborn genetic diseases. Identifiers: MedGen C0950123, MeSH D030342.

Allele frequency attached by ClinVar (database versions not stated): ExAC 0.00001; gnomAD exomes 0.00001; TOPMed 0.00002.
gnomAD v4.1: 7 of 1,604,422 alleles (0.00044%); highest among the groups gnomAD compares: South Asian, 0.0044%; no homozygotes.

Submissions (2):

Ambry Genetics
Classification: Uncertain significance for Inborn genetic diseases. Last evaluated: 2024-06-07. Review status: criteria provided, single submitter. Criteria: Ambry Variant Classification Scheme 2023. Collection method: clinical testing. Allele origin: germline.

Labcorp Genetics (formerly Invitae), Labcorp
Classification: Uncertain significance for Vici syndrome. Last evaluated: 2022-02-12. Review status: criteria provided, single submitter. Criteria: Invitae Variant Classification Sherloc (09022015). Collection method: clinical testing. Allele origin: germline.
Comment: In summary, the available evidence is currently insufficient to determine the role of this variant in disease. Therefore, it has been classified as a Variant of Uncertain Significance. Algorithms developed to predict the effect of missense changes on protein structure and function are either unavailable or do not agree on the potential impact of this missense change (SIFT: "Deleterious"; PolyPhen-2: "Benign"; Align-GVGD: "Class C0"). This variant has not been reported in the literature in individuals affected with EPG5-related conditions. The frequency data for this variant in the population databases is considered unreliable, as metrics indicate poor data quality at this position in the gnomAD database. This sequence change replaces aspartic acid, which is acidic and polar, with asparagine, which is neutral and polar, at codon 1682 of the EPG5 protein (p.Asp1682Asn).

NM_020964.3(EPG5):c.5044G>A (p.Asp1682Asn)

Gene: EPG5 (ectopic P-granules 5 autophagy tethering factor; minus strand). Cytogenetic location: 18q12.3.
Variant type: single nucleotide variant.
Coding change: c.5044G>A on transcript NM_020964.3 (MANE Select); coding-DNA position 5044, G replaced by A.
Protein change: p.Asp1682Asn; replaces aspartic acid 1682 with asparagine.
Molecular consequence: missense variant.
Genome position (GRCh38, 1-based): chr18:45,887,816, C>T on the plus strand (G>A on the coding strand, the complement: EPG5 is on the minus strand). VCF-style: chr18-45887816-C-T. GRCh37 (hg19) VCF-style: chr18-43467781-C-T.
Other names: c.5044G>A, p.Asp1682Asn (NM_001410858.1, NM_001410859.1); c.5044G>A (NM_020964.2); short protein forms D1682N.
Identifiers: ClinVar variation 1980717 (VCV001980717.3), dbSNP rs745726464, ClinGen allele CA8948689.